The following is an entry in ClinVar:

ClinVar aggregate classification (germline): Likely benign (1 of 4 stars; one submission).

gnomAD v4.1: 5 of 1,613,790 alleles (0.00031%); highest among the groups gnomAD compares: South Asian, 0.0033%; no homozygotes.

Submission:

CeGaT Center for Human Genetics Tuebingen
Classification: Likely benign. Last evaluated: 2026-03-01. Review status: criteria provided, single submitter. Criteria: CeGaT Center For Human Genetics Tuebingen Variant Classification Criteria Version 2. Collection method: clinical testing. Allele origin: germline. Affected: yes. Observed: 1 variant allele.
Comment: VPS13C: BP4, BP7

NM_020821.3(VPS13C):c.8952A>G (p.Pro2984=)

Gene: VPS13C (vacuolar protein sorting 13 homolog C; minus strand). Cytogenetic location: 15q22.2.
Variant type: single nucleotide variant.
Coding change: c.8952A>G on transcript NM_020821.3 (MANE Select); coding-DNA position 8952, A replaced by G.
Protein change: p.Pro2984=; no amino-acid change (proline 2984 retained).
Molecular consequence: synonymous variant.
Genome position (GRCh38, 1-based): chr15:61,909,018, T>C on the plus strand (A>G on the coding strand, the complement: VPS13C is on the minus strand). VCF-style: chr15-61909018-T-C. GRCh37 (hg19) VCF-style: chr15-62201217-T-C.
Other names: c.8952A>G, p.Pro2984= (NM_001018088.3); c.8823A>G, p.Pro2941= (NM_017684.5, NM_018080.4).
Identifiers: ClinVar variation 4823547 (VCV004823547.4).
Genomic context (GRCh38, chr15:61,909,018, plus strand): 5'-AAAAGTATTTCCCATTAACCCTTTTTTCTCATACCTCTGTTTGTATGTGAGGATGTCCCA[T>C]GGTGTATGGTTCATTATCAAGGCAGGTGCAGATCCCTCATGGTAATCAGAAAAAGTTATG-3'
Protein context (NP_065872.1, residues 2974-2994): SAPALIMNHT[Pro2984=]WDILTYKQSG